The following is an entry in ClinVar:

NM_002072.5(GNAQ):c.736-5T>C

Gene: GNAQ (G protein subunit alpha q; minus strand). Cytogenetic location: 9q21.2.
Variant type: single nucleotide variant.
Coding change: c.736-5T>C on transcript NM_002072.5 (MANE Select); 5 bases into the intron before coding-DNA position 736, T replaced by C.
Molecular consequence: intron variant.
Genome position (GRCh38, 1-based): chr9:77,728,672, A>G on the plus strand (T>C on the coding strand, the complement: GNAQ is on the minus strand). VCF-style: chr9-77728672-A-G. GRCh37 (hg19) VCF-style: chr9-80343588-A-G.
Identifiers: ClinVar variation 3057817 (VCV003057817.2), dbSNP rs541676373, ClinGen allele CA5094566.
Genomic context (GRCh38, chr9:77,728,672, plus strand): 5'-AACCAGGGGTATGTGATAATTGTTCTAAAGAGAGCCTTGCTTTCCTCCATTCGGTTCTGG[A>G]AAAAAAAAAAAAATCAGAAAAAACAAGGAGTGAATTACATGATTACTTAATTTGTGAATT-3'

ClinVar aggregate classification (germline): Likely benign (0 of 4 stars; one submission).

Conditions:
GNAQ-related disorder. Also called: GNAQ-related condition.

Allele frequency attached by ClinVar (database versions not stated): gnomAD exomes 0.00003; TOPMed 0.00006; 1000 Genomes Project 0.00040; gnomAD 0.00062; ExAC 0.02597.
gnomAD v4.1: 38 of 782,618 alleles (0.0049%); highest among the groups gnomAD compares: African/African-American, 0.071%; no homozygotes.

Submission:

PreventionGenetics, part of Exact Sciences
Classification: Likely benign for GNAQ-related condition. Last evaluated: 2019-04-05. Review status: no assertion criteria provided. Collection method: clinical testing. Allele origin: germline.
Comment: This variant is classified as likely benign based on ACMG/AMP sequence variant interpretation guidelines (Richards et al. 2015 PMID: 25741868, with internal and published modifications).